The following is an entry in ClinVar:

NM_001105206.3(LAMA4):c.889G>C (p.Gly297Arg)

Gene: LAMA4 (laminin subunit alpha 4; minus strand). Cytogenetic location: 6q21.
Variant type: single nucleotide variant.
Coding change: c.889G>C on transcript NM_001105206.3 (MANE Select); coding-DNA position 889, G replaced by C.
Protein change: p.Gly297Arg; replaces glycine 297 with arginine.
Molecular consequence: missense variant.
Genome position (GRCh38, 1-based): chr6:112,187,527, C>G on the plus strand (G>C on the coding strand, the complement: LAMA4 is on the minus strand). VCF-style: chr6-112187527-C-G. GRCh37 (hg19) VCF-style: chr6-112508729-C-G.
Other names: c.868G>C, p.Gly290Arg (NM_001105207.3, NM_002290.5); short protein forms G290R, G297R.
Identifiers: ClinVar variation 2910896 (VCV002910896.3), dbSNP rs375305822, ClinGen allele CA365376104.

ClinVar aggregate classification (germline): Uncertain significance (1 of 4 stars; one submission).

Conditions:
Dilated cardiomyopathy 1JJ (CMD1JJ). Identifiers: Orphanet 154, MedGen C3808935, MONDO:0014095, OMIM 615235.

gnomAD v4.1: 1 of 1,614,110 alleles (0.000062%); highest among the groups gnomAD compares: Non-Finnish European, 0.000085%; no homozygotes.

Submission:

Labcorp Genetics (formerly Invitae), Labcorp
Classification: Uncertain significance for Dilated cardiomyopathy 1JJ. Last evaluated: 2022-12-29. Review status: criteria provided, single submitter. Criteria: Invitae Variant Classification Sherloc (09022015). Collection method: clinical testing. Allele origin: germline.
Comment: In summary, the available evidence is currently insufficient to determine the role of this variant in disease. Therefore, it has been classified as a Variant of Uncertain Significance. Algorithms developed to predict the effect of missense changes on protein structure and function are either unavailable or do not agree on the potential impact of this missense change (SIFT: "Deleterious"; PolyPhen-2: "Benign"; Align-GVGD: "Class C0"). This variant has not been reported in the literature in individuals affected with LAMA4-related conditions. This variant is not present in population databases (gnomAD no frequency). This sequence change replaces glycine, which is neutral and non-polar, with arginine, which is basic and polar, at codon 290 of the LAMA4 protein (p.Gly290Arg).